The following is an entry in ClinVar:

NM_000222.3(KIT):c.208A>T (p.Ile70Phe)

Gene: KIT (KIT proto-oncogene, receptor tyrosine kinase; plus strand). Cytogenetic location: 4q12.
Variant type: single nucleotide variant.
Coding change: c.208A>T on transcript NM_000222.3 (MANE Select); coding-DNA position 208, A replaced by T.
Protein change: p.Ile70Phe; replaces isoleucine 70 with phenylalanine.
Molecular consequence: missense variant.
Genome position (GRCh38, 1-based): chr4:54,695,652, A>T. VCF-style: chr4-54695652-A-T. GRCh37 (hg19) VCF-style: chr4-55561818-A-T.
Other names: c.208A>T, p.Ile70Phe (NM_001385284.1, NM_001385285.1, NM_001385286.1 and 4 more transcripts); short protein forms I70F.
Identifiers: ClinVar variation 654794 (VCV000654794.9), dbSNP rs1577952856, ClinGen allele CA356897065.

ClinVar aggregate classification (germline): Uncertain significance (1 of 4 stars; one submission).

Conditions:
Gastrointestinal stromal tumor. Also called: Gastrointestinal stromal tumor, somatic; Gastrointestinal stroma tumor. Identifiers: Orphanet 44890, MedGen C0238198, MeSH D046152, MONDO:0011719, OMIM 606764, HP:0100723.

Submission:

Labcorp Genetics (formerly Invitae), Labcorp
Classification: Uncertain significance for Gastrointestinal stromal tumor. Last evaluated: 2024-10-08. Review status: criteria provided, single submitter. Criteria: Invitae Variant Classification Sherloc (09022015). Collection method: clinical testing. Allele origin: germline.
Comment: This sequence change replaces isoleucine, which is neutral and non-polar, with phenylalanine, which is neutral and non-polar, at codon 70 of the KIT protein (p.Ile70Phe). This variant is not present in population databases (gnomAD no frequency). This variant has not been reported in the literature in individuals affected with KIT-related conditions. ClinVar contains an entry for this variant (Variation ID: 654794). An algorithm developed to predict the effect of missense changes on protein structure and function (PolyPhen-2) suggests that this variant is likely to be tolerated. In summary, the available evidence is currently insufficient to determine the role of this variant in disease. Therefore, it has been classified as a Variant of Uncertain Significance.